The following is an entry in ClinVar:

ClinVar aggregate classification (germline): Uncertain significance. Review status: criteria provided, multiple submitters, no conflicts (2 of 4 stars). 5 submissions from 2 submitters: Uncertain significance (5). Last evaluated 2019-02-11.

Conditions:
Frontotemporal dementia (FTD1). Also called: FRONTOTEMPORAL DEMENTIA WITH PARKINSONISM; FRONTOTEMPORAL LOBE DEMENTIA; MULTIPLE SYSTEM TAUOPATHY WITH PRESENILE DEMENTIA; FRONTOTEMPORAL LOBAR DEGENERATION WITH TAU INCLUSIONS; FTLD WITH TAU INCLUSIONS; Frontotemporal lobe dementia (FLDEM). Identifiers: Orphanet 282, MedGen C0338451, MONDO:0017276, OMIM 600274, HP:0002145.
Progressive supranuclear ophthalmoplegia. Identifiers: MedGen C4551862.
Pick disease. Also called: DEMENTIA WITH LOBAR ATROPHY AND NEURONAL CYTOPLASMIC INCLUSIONS; LOBAR ATROPHY OF BRAIN; Pick's disease; Pick Disease of the Brain; PICK DISEASE OF BRAIN. Identifiers: Orphanet 282, MedGen C0236642, MONDO:0008243, OMIM 172700.
Parkinson disease, late-onset (PD). Also called: PARKINSON DISEASE, LATE-ONSET, SUSCEPTIBILITY TO; Susceptibility to Parkinson's Disease; Hereditary late onset Parkinson disease. Identifiers: Orphanet 411602, MedGen C3160718, MONDO:0008199, OMIM 168600.

Allele frequency attached by ClinVar (database versions not stated): ExAC below 0.00001; gnomAD exomes below 0.00001; TOPMed 0.00001.
gnomAD v4.1: 6 of 1,612,582 alleles (0.00037%); highest among the groups gnomAD compares: Admixed American, 0.0017%; no homozygotes.

Submissions (5):

Labcorp Genetics (formerly Invitae), Labcorp
Classification: Uncertain significance for Frontotemporal dementia. Last evaluated: 2019-02-11. Review status: criteria provided, single submitter. Criteria: Invitae Variant Classification Sherloc (09022015). Collection method: clinical testing. Allele origin: germline.
Comment: This variant has not been reported in the literature in individuals with MAPT-related conditions. ClinVar contains an entry for this variant (Variation ID: 548576). In summary, the available evidence is currently insufficient to determine the role of this variant in disease. Therefore, it has been classified as a Variant of Uncertain Significance. Algorithms developed to predict the effect of missense changes on protein structure and function are either unavailable or do not agree on the potential impact of this missense change (SIFT: "Deleterious"; PolyPhen-2: "Possibly Damaging"; Align-GVGD: "Class C0"). The frequency data for this variant in the population databases is considered unreliable, as metrics indicate poor data quality at this position in the ExAC database. This sequence change replaces glycine with valine at codon 16 of the MAPT protein (p.Gly16Val). The glycine residue is moderately conserved and there is a moderate physicochemical difference between glycine and valine.

Genomic Research Center, Shahid Beheshti University of Medical Sciences
Classification: Uncertain significance for Frontotemporal dementia. Last evaluated: 2018-03-05. Review status: criteria provided, single submitter. Criteria: ACMG Guidelines, 2015. Collection method: clinical testing. Allele origin: inherited. Affected: yes. Observed: 1 variant allele.

Genomic Research Center, Shahid Beheshti University of Medical Sciences
Classification: Uncertain significance for Pick disease. Last evaluated: 2018-03-05. Review status: criteria provided, single submitter. Criteria: ACMG Guidelines, 2015. Collection method: clinical testing. Allele origin: inherited. Affected: yes. Observed: 1 variant allele.

Genomic Research Center, Shahid Beheshti University of Medical Sciences
Classification: Uncertain significance for Progressive supranuclear palsy. Last evaluated: 2018-03-05. Review status: criteria provided, single submitter. Criteria: ACMG Guidelines, 2015. Collection method: clinical testing. Allele origin: inherited. Affected: yes. Observed: 1 variant allele.

Genomic Research Center, Shahid Beheshti University of Medical Sciences
Classification: Uncertain significance for Parkinson disease, late-onset. Last evaluated: 2018-03-05. Review status: criteria provided, single submitter. Criteria: ACMG Guidelines, 2015. Collection method: clinical testing. Allele origin: inherited. Affected: yes. Observed: 1 variant allele.

NM_001377265.1(MAPT):c.47G>T (p.Gly16Val)

Gene: MAPT (microtubule associated protein tau). Cytogenetic location: 17q21.31.
Variant type: single nucleotide variant.
Coding change: c.47G>T on transcript NM_001377265.1 (MANE Select); coding-DNA position 47, G replaced by T.
Protein change: p.Gly16Val; replaces glycine 16 with valine.
Molecular consequence: missense variant. On other transcripts: non-coding transcript variant (1).
Genome position (GRCh38, 1-based): chr17:45,962,384, G>T. VCF-style: chr17-45962384-G-T. GRCh37 (hg19) VCF-style: chr17-44039750-G-T.
Other names: c.47G>T, p.Gly16Val (NM_001123066.4, NM_001123067.4, NM_001203251.2 and 8 more transcripts); short protein forms G16V.
Identifiers: ClinVar variation 548576 (VCV000548576.15), dbSNP rs755131800, ClinGen allele CA8617502.